The following is an entry in ClinVar:

NM_000465.4(BARD1):c.1244A>G (p.Lys415Arg)

Gene: BARD1 (BRCA1 associated RING domain 1; minus strand). Cytogenetic location: 2q35.
Variant type: single nucleotide variant.
Coding change: c.1244A>G on transcript NM_000465.4 (MANE Select); coding-DNA position 1244, A replaced by G.
Protein change: p.Lys415Arg; replaces lysine 415 with arginine.
Molecular consequence: missense variant. On other transcripts: non-coding transcript variant (2), intron variant (3).
Genome position (GRCh38, 1-based): chr2:214,780,630, T>C on the plus strand (A>G on the coding strand, the complement: BARD1 is on the minus strand). VCF-style: chr2-214780630-T-C. GRCh37 (hg19) VCF-style: chr2-215645354-T-C.
Other names: c.1187A>G, p.Lys396Arg (NM_001282543.2); c.159-28075A>G (NM_001282548.2); c.215+16431A>G (NM_001282545.2); c.364+11667A>G (NM_001282549.2); short protein forms K396R, K415R.
Identifiers: ClinVar variation 1417570 (VCV001417570.7), dbSNP rs879254118, ClinGen allele CA350453575.

ClinVar aggregate classification (germline): Uncertain significance (1 of 4 stars; one submission).

Conditions:
Familial cancer of breast. Also called: BREAST CANCER, FAMILIAL; Hereditary breast cancer; hereditary breast carcinoma. Identifiers: Orphanet 227535, MedGen C0346153, MONDO:0016419, OMIM 114480. Disease mechanism: loss of function.

Submission:

Labcorp Genetics (formerly Invitae), Labcorp
Classification: Uncertain significance for Familial cancer of breast. Last evaluated: 2021-09-23. Review status: criteria provided, single submitter. Criteria: Invitae Variant Classification Sherloc (09022015). Collection method: clinical testing. Allele origin: germline.
Comment: This sequence change replaces lysine with arginine at codon 415 of the BARD1 protein (p.Lys415Arg). The lysine residue is highly conserved and there is a small physicochemical difference between lysine and arginine. In summary, the available evidence is currently insufficient to determine the role of this variant in disease. Therefore, it has been classified as a Variant of Uncertain Significance. Algorithms developed to predict the effect of missense changes on protein structure and function (SIFT, PolyPhen-2, Align-GVGD) all suggest that this variant is likely to be tolerated. This variant has not been reported in the literature in individuals affected with BARD1-related conditions. This variant is not present in population databases (ExAC no frequency).